The following is an entry in ClinVar:

ClinVar aggregate classification (germline): Conflicting classifications of pathogenicity. Review status: criteria provided, conflicting classifications (1 of 4 stars). 2 submissions from 2 submitters: Likely pathogenic (1); Uncertain significance (1). Last evaluated 2024-06-21.

Conditions:
Central core myopathy (CMYO1A). Also called: CONGENITAL MYOPATHY 1A, AUTOSOMAL DOMINANT, WITH SUSCEPTIBILITY TO MALIGNANT HYPERTHERMIA; Central core disease; Myopathy, central fibrillar. Identifiers: Orphanet 597, MedGen C5830701, MONDO:0007294, OMIM 117000.

Submissions (2):

GeneDx
Classification: Uncertain significance. Last evaluated: 2024-06-21. Review status: criteria provided, single submitter. Criteria: GeneDx Variant Classification Process June 2021. Collection method: clinical testing. Allele origin: germline.
Comment: Not observed at significant frequency in large population cohorts (gnomAD); In silico analysis supports that this missense variant has a deleterious effect on protein structure/function; Has not been previously published as pathogenic or benign to our knowledge

Center of Genomic medicine, Geneva, University Hospital of Geneva
Classification: Likely pathogenic for Central core myopathy. Last evaluated: 2018-07-06. Review status: criteria provided, single submitter. Criteria: ACMG Guidelines, 2015. Collection method: clinical testing. Allele origin: de novo. Affected: yes.

NM_000540.3(RYR1):c.7856T>C (p.Leu2619Pro)

Gene: RYR1 (ryanodine receptor 1; plus strand). Cytogenetic location: 19q13.2.
Variant type: single nucleotide variant.
Coding change: c.7856T>C on transcript NM_000540.3 (MANE Select); coding-DNA position 7856, T replaced by C.
Protein change: p.Leu2619Pro; replaces leucine 2619 with proline.
Molecular consequence: missense variant.
Genome position (GRCh38, 1-based): chr19:38,502,900, T>C. VCF-style: chr19-38502900-T-C. GRCh37 (hg19) VCF-style: chr19-38993540-T-C.
Other names: c.7856T>C, p.Leu2619Pro (NM_001042723.2); short protein forms L2619P.
Identifiers: ClinVar variation 627593 (VCV000627593.4), dbSNP rs1263237391, ClinGen allele CA082875.